The following is an entry in ClinVar:

NM_181523.3(PIK3R1):c.2051C>G (p.Pro684Arg)

Gene: PIK3R1 (phosphoinositide-3-kinase regulatory subunit 1; plus strand). Cytogenetic location: 5q13.1.
Variant type: single nucleotide variant.
Coding change: c.2051C>G on transcript NM_181523.3 (MANE Select); coding-DNA position 2051, C replaced by G.
Protein change: p.Pro684Arg; replaces proline 684 with arginine.
Molecular consequence: missense variant.
Genome position (GRCh38, 1-based): chr5:68,297,477, C>G. VCF-style: chr5-68297477-C-G. GRCh37 (hg19) VCF-style: chr5-67593305-C-G.
Other names: c.962C>G, p.Pro321Arg (NM_001242466.2); c.1241C>G, p.Pro414Arg (NM_181504.4); c.1151C>G, p.Pro384Arg (NM_181524.2); short protein forms P321R, P384R, P414R, P684R.
Identifiers: ClinVar variation 4887877 (VCV004887877.1).
Genomic context (GRCh38, chr5:68,297,477, plus strand): 5'-ACGGCGAAGTAAAGCATTGTGTCATAAACAAAACAGCAACTGGCTATGGCTTTGCCGAGC[C>G]CTATAACTTGTACAGCTCTCTGAAAGAACTGGTGCTACATTACCAACACACCTCCCTTGT-3'
Protein context (NP_852664.1, residues 674-694): KTATGYGFAE[Pro684Arg]YNLYSSLKEL

ClinVar aggregate classification (germline): Likely pathogenic (1 of 4 stars; one submission).

Submission:

GeneDx
Classification: Likely pathogenic. Last evaluated: 2026-01-29. Review status: criteria provided, single submitter. Criteria: GeneDx Variant Classification Process June 2021. Collection method: clinical testing. Allele origin: germline.
Comment: In silico analysis supports that this missense variant has a deleterious effect on protein structure/function; Not observed at significant frequency in large population cohorts (gnomAD); This variant is associated with the following publications: (PMID: 35982159, 33057194)